The following is an entry in ClinVar:

NM_001365536.1(SCN9A):c.5251G>C (p.Val1751Leu)

Genes: SCN1A-AS1 (SCN1A and SCN9A antisense RNA 1; plus strand), SCN9A (sodium voltage-gated channel alpha subunit 9; minus strand). Cytogenetic location: 2q24.3.
Variant type: single nucleotide variant.
Coding change: c.5251G>C on transcript NM_001365536.1 (MANE Select); coding-DNA position 5251, G replaced by C.
Protein change: p.Val1751Leu; replaces valine 1751 with leucine.
Molecular consequence: missense variant.
Genome position (GRCh38, 1-based): chr2:166,199,388, C>G on the plus strand (G>C on the coding strand, the complement: SCN9A is on the minus strand). VCF-style: chr2-166199388-C-G. GRCh37 (hg19) VCF-style: chr2-167055898-C-G.
Other names: c.5218G>C, p.Val1740Leu (NM_002977.4); short protein forms V1740L, V1751L.
Identifiers: ClinVar variation 245703 (VCV000245703.2), dbSNP rs879253908, ClinGen allele CA10584159.
Genomic context (GRCh38, chr2:166,199,388, plus strand): 5'-TACTTTCTTCAGTGGCAACACTAAAATTCTCCAGTATGACTGCAATGTACATGTTCACCA[C>G]AACCAGGAAGGATATGATGATATAACTAACAAAGTAGAATATTCCAACAGATGGGTTACC-3'
Protein context (NP_001352465.1, residues 1741-1761): VSYIIISFLV[Val1751Leu]VNMYIAVILE

ClinVar aggregate classification (germline): Uncertain significance (1 of 4 stars; one submission).

Submission:

GeneDx
Classification: Uncertain significance. Last evaluated: 2015-03-17. Review status: criteria provided, single submitter. Criteria: GeneDx Variant Classification (06012015). Collection method: clinical testing. Allele origin: germline. Affected: yes.
Comment: The V1740L variant has not been published as a mutation, nor has it been reported as a benign polymorphism to our knowledge. It was not observed in approximately 6,500 individuals of European and African American ancestry in the NHLBI Exome Sequencing Project, indicating it is not a common benign variant in these populations. The V1740L variant is a conservative amino acid substitution, which is not likely to impact secondary protein structure as these residues share similar properties. However, this substitution occurs at a position that is conserved across species, and in silico analysis predicts this variant is probably damaging to the protein structure/function. Therefore, based on the currently available information, it is unclear whether the V1740L variant is a pathogenic mutation or a rare benign variant.